The following is an entry in ClinVar:

ClinVar aggregate classification (germline): Likely pathogenic (1 of 4 stars; one submission).

Conditions:
Branchiootorenal syndrome 1. Also called: Branchio-Oto-Renal Syndrome 1. Identifiers: Orphanet 107, MedGen C4551702, MONDO:0007236, OMIM 113650.

Submission:

Institute of Rare Diseases, West China Hospital, Sichuan University
Classification: Likely pathogenic for Branchiootorenal syndrome 1. Last evaluated: 2025-01-09. Review status: criteria provided, single submitter. Criteria: ClinGen HL ACMG Specifications v1. Collection method: research. Allele origin: germline. Affected: yes.
Comment: PVS1;PM2_Supporting

NM_000503.6(EYA1):c.1106T>A (p.Leu369Ter)

Gene: EYA1 (EYA transcriptional coactivator and phosphatase 1; minus strand). Cytogenetic location: 8q13.3.
Variant type: single nucleotide variant.
Coding change: c.1106T>A on transcript NM_000503.6 (MANE Select); coding-DNA position 1106, T replaced by A.
Protein change: p.Leu369Ter; replaces leucine 369 with a stop codon.
Molecular consequence: nonsense. On other transcripts: intron variant (2).
Genome position (GRCh38, 1-based): chr8:71,244,637, A>T on the plus strand (T>A on the coding strand, the complement: EYA1 is on the minus strand). VCF-style: chr8-71244637-A-T. GRCh37 (hg19) VCF-style: chr8-72156872-A-T.
Other names: c.1088T>A, p.Leu363Ter (NM_001288574.2); c.740T>A, p.Leu247Ter (NM_001288575.2); c.1193T>A, p.Leu398Ter (NM_001370333.1); c.1106T>A, p.Leu369Ter (NM_001370334.1, NM_001370335.1, NM_172058.4); c.1007T>A, p.Leu336Ter (NM_001411797.1, NM_172060.4); c.1119+25103T>A (NM_001370336.1); c.1122+25103T>A (NM_172059.5); short protein forms L247*, L336*, L363*, L369*, L398*.
Identifiers: ClinVar variation 3601091 (VCV003601091.1).